The following is an entry in ClinVar:

NM_022132.5(MCCC2):c.1131T>C (p.Phe377=)

Gene: MCCC2 (methylcrotonyl-CoA carboxylase subunit 2; plus strand). Cytogenetic location: 5q13.2.
Variant type: single nucleotide variant.
Coding change: c.1131T>C on transcript NM_022132.5 (MANE Select); coding-DNA position 1131, T replaced by C.
Protein change: p.Phe377=; no amino-acid change (phenylalanine 377 retained).
Molecular consequence: synonymous variant.
Genome position (GRCh38, 1-based): chr5:71,643,877, T>C. VCF-style: chr5-71643877-T-C. GRCh37 (hg19) VCF-style: chr5-70939704-T-C.
Other names: c.1017T>C, p.Phe339= (NM_001363147.1).
Identifiers: ClinVar variation 3055932 (VCV003055932.2), dbSNP rs2530849467, ClinGen allele CA444801992.

ClinVar aggregate classification (germline): Likely benign (0 of 4 stars; one submission).

Conditions:
MCCC2-related disorder. Also called: MCCC2-related condition.

Submission:

PreventionGenetics, part of Exact Sciences
Classification: Likely benign for MCCC2-related condition. Last evaluated: 2021-11-05. Review status: no assertion criteria provided. Collection method: clinical testing. Allele origin: germline.
Comment: This variant is classified as likely benign based on ACMG/AMP sequence variant interpretation guidelines (Richards et al. 2015 PMID: 25741868, with internal and published modifications).